The following is an entry in ClinVar:

NM_004484.4(GPC3):c.429G>C (p.Glu143Asp)

Gene: GPC3 (glypican 3; minus strand). Cytogenetic location: Xq26.2.
Variant type: single nucleotide variant.
Coding change: c.429G>C on transcript NM_004484.4 (MANE Select); coding-DNA position 429, G replaced by C.
Protein change: p.Glu143Asp; replaces glutamic acid 143 with aspartic acid.
Molecular consequence: missense variant.
Genome position (GRCh38, 1-based): chrX:133,754,085, C>G on the plus strand (G>C on the coding strand, the complement: GPC3 is on the minus strand). VCF-style: chrX-133754085-C-G. GRCh37 (hg19) VCF-style: chrX-132888112-C-G.
Other names: c.429G>C, p.Glu143Asp (NM_001164617.2); c.381G>C, p.Glu127Asp (NM_001164618.2); c.267G>C, p.Glu89Asp (NM_001164619.2); short protein forms E143D, E89D, E127D.
Identifiers: ClinVar variation 3633183 (VCV003633183.2).
Genomic context (GRCh38, chrX:133,754,085, plus strand): 5'-TACATTGATGTCAGAACCCAAGATGTAGAGAGACACATCTGTGAAAAATTCACCCACAAA[C>G]TCAAAAGCTTGTGGAGTCAGGCTTGGGTAGTTGTTCTTGAACATGGCATTGGTGTAGTTC-3'
Protein context (NP_004475.1, residues 133-153): NYPSLTPQAF[Glu143Asp]FVGEFFTDVS

ClinVar aggregate classification (germline): Uncertain significance (1 of 4 stars; one submission).

Conditions:
Wilms tumor 1 (WT1). Also called: Wilms tumor, somatic. Identifiers: Orphanet 654, MedGen CN033288, MONDO:0008679, OMIM 194070.

Submission:

Labcorp Genetics (formerly Invitae), Labcorp
Classification: Uncertain significance for Wilms tumor 1. Last evaluated: 2024-11-18. Review status: criteria provided, single submitter. Criteria: Invitae Variant Classification Sherloc (09022015). Collection method: clinical testing. Allele origin: germline.
Comment: This sequence change replaces glutamic acid, which is acidic and polar, with aspartic acid, which is acidic and polar, at codon 143 of the GPC3 protein (p.Glu143Asp). This variant is not present in population databases (gnomAD no frequency). This variant has not been reported in the literature in individuals affected with GPC3-related conditions. Invitae Evidence Modeling of protein sequence and biophysical properties (such as structural, functional, and spatial information, amino acid conservation, physicochemical variation, residue mobility, and thermodynamic stability) indicates that this missense variant is not expected to disrupt GPC3 protein function with a negative predictive value of 80%. In summary, the available evidence is currently insufficient to determine the role of this variant in disease. Therefore, it has been classified as a Variant of Uncertain Significance.